The following is an entry in ClinVar:

NM_000179.3(MSH6):c.1842del (p.Cys615fs)

Gene: MSH6 (mutS homolog 6; plus strand). Cytogenetic location: 2p16.3.
Variant type: Deletion.
Coding change: c.1842del on transcript NM_000179.3 (MANE Select); coding-DNA position 1842, one base deleted (C; older notation c.1842delC).
Protein change: p.Cys615fs; shifts the reading frame from cysteine 615.
Molecular consequence: frameshift variant.
Genome position (GRCh38, 1-based): chr2:47,799,825, C deleted; the last of 2 consecutive C bases (chr2:47,799,824-47,799,825); deleting either gives the same sequence. VCF-style (leftmost placement, unchanged base first): chr2-47799823-TC-T. GRCh37 (hg19) VCF-style: chr2-48026962-TC-T.
Other names: c.1452del, p.Cys485fs (NM_001281492.2); c.936del, p.Cys313fs (NM_001281493.2, NM_001281494.2); c.1842delC (NM_000179.2); short protein forms C313fs, C615fs, C485fs.
Identifiers: ClinVar variation 182678 (VCV000182678.23), dbSNP rs730881825, ClinGen allele CA009306.

ClinVar aggregate classification (germline): Pathogenic. Review status: criteria provided, multiple submitters, no conflicts (2 of 4 stars). 8 submissions from 8 submitters: Pathogenic (7). 1 of the submissions does not count toward it. Last evaluated 2025-04-28.

Conditions:
MSH6-related disorder. Also called: MSH6-related condition; MSH6-Related disorders.
Hereditary nonpolyposis colorectal neoplasms. Identifiers: MedGen C0009405, MeSH D003123.
Hereditary cancer-predisposing syndrome. Also called: Tumor predisposition; Hereditary Cancer Syndrome; Hereditary neoplastic syndrome; Neoplastic Syndromes, Hereditary. Identifiers: Orphanet 140162, MedGen C0027672, MeSH D009386, MONDO:0015356.
Lynch syndrome 5 (LYNCH5). Also called: Colorectal cancer, hereditary nonpolyposis, type 5; Hereditary non-polyposis colorectal cancer, type 5. Identifiers: Orphanet 144, MedGen C1833477, MONDO:0013710, OMIM 614350. Disease mechanism: loss of function.
Endometrial carcinoma. Also called: Endometrial carcinoma, somatic. Identifiers: MedGen C0476089, MONDO:0002447, OMIM 608089, HP:0012114.

Submissions (8):

Ambry Genetics
Classification: Pathogenic for Hereditary cancer-predisposing syndrome. Last evaluated: 2025-04-28. Review status: criteria provided, single submitter. Criteria: Ambry Variant Classification Scheme 2023. Collection method: clinical testing. Allele origin: germline.
Comment: The c.1842delC pathogenic mutation, located in coding exon 4 of the MSH6 gene, results from a deletion of one nucleotide at nucleotide position 1842, causing a translational frameshift with a predicted alternate stop codon (p.C615Vfs*7). This variant is considered to be rare based on population cohorts in the Genome Aggregation Database (gnomAD). This alteration is expected to result in loss of function by premature protein truncation or nonsense-mediated mRNA decay. As such, this alteration is interpreted as a disease-causing mutation.

Labcorp Genetics (formerly Invitae), Labcorp
Classification: Pathogenic for Hereditary nonpolyposis colorectal neoplasms. Last evaluated: 2024-12-15. Review status: criteria provided, single submitter. Criteria: Invitae Variant Classification Sherloc (09022015). Collection method: clinical testing. Allele origin: germline.
Comment: This sequence change creates a premature translational stop signal (p.Cys615Valfs*7) in the MSH6 gene. It is expected to result in an absent or disrupted protein product. Loss-of-function variants in MSH6 are known to be pathogenic (PMID: 18269114, 24362816). This variant is not present in population databases (gnomAD no frequency). This variant has not been reported in the literature in individuals affected with MSH6-related conditions. ClinVar contains an entry for this variant (Variation ID: 182678). For these reasons, this variant has been classified as Pathogenic.

Baylor Genetics
Classification: Pathogenic for Endometrial carcinoma. Last evaluated: 2024-03-28. Review status: criteria provided, single submitter. Criteria: ACMG Guidelines, 2015. Collection method: clinical testing. Allele origin: unknown.

Myriad Genetics, Inc.
Classification: Pathogenic for Lynch syndrome 5. Last evaluated: 2023-08-15. Review status: criteria provided, single submitter. Criteria: Myriad Autosomal Dominant, Autosomal Recessive and X-Linked Classification Criteria (2023). Collection method: clinical testing. Allele origin: unknown.
Comment: This variant is considered pathogenic. This variant creates a frameshift predicted to result in premature protein truncation.

PreventionGenetics, part of Exact Sciences
Classification: Pathogenic for MSH6-related condition. Last evaluated: 2023-03-06. Review status: criteria provided, single submitter. Criteria: ACMG Guidelines, 2015. Collection method: clinical testing. Allele origin: germline.
Comment: The MSH6 c.1842delC variant is predicted to result in a frameshift and premature protein termination (p.Cys615Valfs*7). To our knowledge, this variant has not been reported in the literature in a patient with MSH6-related disease and has not been reported in a large population database, indicating this variant is rare. This variant is listed in ClinVar as pathogenic. Frameshift variants in MSH6 are expected to be pathogenic. This variant is interpreted as pathogenic.

GeneDx
Classification: Pathogenic. Last evaluated: 2022-04-12. Review status: criteria provided, single submitter. Criteria: GeneDx Variant Classification Process June 2021. Collection method: clinical testing. Allele origin: germline. Affected: yes.
Comment: Frameshift variant predicted to result in protein truncation or nonsense mediated decay in a gene for which loss of function is a known mechanism of disease; Not observed at significant frequency in large population cohorts (gnomAD); Truncating variants in this gene are considered pathogenic by a well-established clinical consortium and/or database; Has not been previously published as pathogenic or benign to our knowledge; This variant is associated with the following publications: (PMID: 26633542, 30787465)

Color Diagnostics, LLC DBA Color Health
Classification: Pathogenic for Hereditary cancer-predisposing syndrome. Last evaluated: 2020-05-27. Review status: criteria provided, single submitter. Criteria: ACMG Guidelines, 2015. Collection method: clinical testing. Allele origin: germline.
Comment: This variant deletes 1 nucleotide in exon 4 of the MSH6 gene, creating a frameshift and premature translation stop signal. This variant is expected to result in an absent or non-functional protein product. To our knowledge, this variant has not been reported in individuals affected with hereditary cancer in the literature. This variant has not been identified in the general population by the Genome Aggregation Database (gnomAD). Loss of MSH6 function is a known mechanism of disease. Based on the available evidence, this variant is classified as Pathogenic.

Genetic Services Laboratory, University of Chicago
Classification: Pathogenic. Last evaluated: 2022-04-11. Review status: no assertion criteria provided. Collection method: clinical testing. Allele origin: germline. Affected: yes. Not counted in ClinVar's aggregate classification.
Comment: DNA sequence analysis of the MSH6 gene demonstrated a single base pair deletion in exon 4, c.1842del. This pathogenic sequence change results in an amino acid frameshift and creates a premature stop codon 6 amino acids downstream of the change, p.Cys615Valfs*7. This sequence change is predicted to result in an abnormal transcript, which may be degraded, or may lead to the production of a truncated MSH6 protein with potentially abnormal function. The c.1842del sequence change has not been described in the population databases such as ExAC and gnomAD (dbSNP rs730881825). While this sequence change has not previously been described in the literature, other loss-of-function variants in MSH6 have been described in several individuals with MSH6-related disorders and have been reported to be pathogenic (PMID: 24362816, 18269114). This sequence change is therefore classified as pathogenic.

Literature cited by the submitters: PubMed 18269114 (cited by Labcorp Genetics (formerly Invitae), Labcorp); PubMed 24362816 (cited by Labcorp Genetics (formerly Invitae), Labcorp).